The following is an entry in ClinVar:

ClinVar aggregate classification (germline): Uncertain significance (1 of 4 stars; one submission).

Submission:

Labcorp Genetics (formerly Invitae), Labcorp
Classification: Uncertain significance. Last evaluated: 2021-05-01. Review status: criteria provided, single submitter. Criteria: Invitae Variant Classification Sherloc (09022015). Collection method: clinical testing. Allele origin: germline.
Comment: In summary, the available evidence is currently insufficient to determine the role of this variant in disease. Therefore, it has been classified as a Variant of Uncertain Significance. Algorithms developed to predict the effect of missense changes on protein structure and function are either unavailable or do not agree on the potential impact of this missense change (SIFT: "Not Available"; PolyPhen-2: "Probably Damaging"; Align-GVGD: "Not Available"). This variant has not been reported in the literature in individuals with UNC80-related conditions. This variant is not present in population databases (ExAC no frequency). This sequence change replaces glutamic acid with glutamine at codon 1663 of the UNC80 protein (p.Glu1663Gln). The glutamic acid residue is moderately conserved and there is a small physicochemical difference between glutamic acid and glutamine.

NM_001371986.1(UNC80):c.5185G>C (p.Glu1729Gln)

Genes: UNC80 (unc-80 subunit of NALCN channel complex; plus strand), LOC126806490 (P300/CBP strongly-dependent group 1 enhancer GRCh37_chr2:210782411-210783610; plus strand). Cytogenetic location: 2q34.
Variant type: single nucleotide variant.
Coding change: c.5185G>C on transcript NM_001371986.1 (MANE Select); coding-DNA position 5185, G replaced by C.
Protein change: p.Glu1729Gln; replaces glutamic acid 1729 with glutamine.
Molecular consequence: missense variant.
Genome position (GRCh38, 1-based): chr2:209,917,932, G>C. VCF-style: chr2-209917932-G-C. GRCh37 (hg19) VCF-style: chr2-210782656-G-C.
Other names: c.4987G>C, p.Glu1663Gln (NM_032504.2); c.4972G>C, p.Glu1658Gln (NM_182587.4); short protein forms E1658Q, E1663Q, E1729Q.
Identifiers: ClinVar variation 1466062 (VCV001466062.6), dbSNP rs2124948245, ClinGen allele CA350759469.
Genomic context (GRCh38, chr2:209,917,932, plus strand): 5'-AACGCTGTCCTCAAGTTCCACACGCTCTGGAGGTTTCGCTATCAGGTCTGGCCCCGGATG[G>C]AGGAAGGGGCACAGCAGATTTTTAAGGTGAGGGATACTTCTCACAGAGGAGTTACATTAG-3'
Protein context (NP_001358915.1, residues 1719-1739): RFRYQVWPRM[Glu1729Gln]EGAQQIFKIP